The following is an entry in ClinVar:

ClinVar aggregate classification (germline): Uncertain significance. Review status: criteria provided, multiple submitters, no conflicts (2 of 4 stars). 2 submissions from 2 submitters: Uncertain significance (2). Last evaluated 2026-07-06.

Conditions:
Hereditary cancer-predisposing syndrome. Also called: Tumor predisposition; Hereditary Cancer Syndrome; Hereditary neoplastic syndrome; Neoplastic Syndromes, Hereditary. Identifiers: Orphanet 140162, MedGen C0027672, MeSH D009386, MONDO:0015356.
Oligodontia-cancer predisposition syndrome. Also called: TOOTH AGENESIS-COLORECTAL CANCER SYNDROME. Identifiers: Orphanet 300576, MedGen C1837750, MONDO:0012075, OMIM 608615. Disease mechanism: loss of function.

Submissions (2):

Ambry Genetics
Classification: Uncertain significance for Hereditary cancer-predisposing syndrome. Last evaluated: 2026-07-06. Review status: criteria provided, single submitter. Criteria: Ambry Variant Classification Scheme 2023. Collection method: clinical testing. Allele origin: germline.
Comment: The p.E177K variant (also known as c.529G>A), located in coding exon 1 of the AXIN2 gene, results from a G to A substitution at nucleotide position 529. The glutamic acid at codon 177 is replaced by lysine, an amino acid with similar properties. This amino acid position is conserved. In addition, the in silico prediction for this alteration is inconclusive. Based on the available evidence, the clinical significance of this variant remains unclear.

Labcorp Genetics (formerly Invitae), Labcorp
Classification: Uncertain significance for Oligodontia-cancer predisposition syndrome. Last evaluated: 2023-09-15. Review status: criteria provided, single submitter. Criteria: Invitae Variant Classification Sherloc (09022015). Collection method: clinical testing. Allele origin: germline.
Comment: In summary, the available evidence is currently insufficient to determine the role of this variant in disease. Therefore, it has been classified as a Variant of Uncertain Significance. Advanced modeling of protein sequence and biophysical properties (such as structural, functional, and spatial information, amino acid conservation, physicochemical variation, residue mobility, and thermodynamic stability) performed at Invitae indicates that this missense variant is expected to disrupt AXIN2 protein function. ClinVar contains an entry for this variant (Variation ID: 1057711). This variant has not been reported in the literature in individuals affected with AXIN2-related conditions. This variant is not present in population databases (gnomAD no frequency). This sequence change replaces glutamic acid, which is acidic and polar, with lysine, which is basic and polar, at codon 177 of the AXIN2 protein (p.Glu177Lys).

NM_004655.4(AXIN2):c.529G>A (p.Glu177Lys)

Gene: AXIN2 (axin 2; minus strand). Cytogenetic location: 17q24.1.
Variant type: single nucleotide variant.
Coding change: c.529G>A on transcript NM_004655.4 (MANE Select); coding-DNA position 529, G replaced by A.
Protein change: p.Glu177Lys; replaces glutamic acid 177 with lysine.
Molecular consequence: missense variant.
Genome position (GRCh38, 1-based): chr17:65,558,092, C>T on the plus strand (G>A on the coding strand, the complement: AXIN2 is on the minus strand). VCF-style: chr17-65558092-C-T. GRCh37 (hg19) VCF-style: chr17-63554210-C-T.
Other names: c.529G>A (NM_004655.3); c.529G>A, p.Glu177Lys (NM_001363813.1); short protein forms E177K.
Identifiers: ClinVar variation 1057711 (VCV001057711.11), dbSNP rs2044299258, ClinGen allele CA400681020.